The following is an entry in ClinVar:

ClinVar aggregate classification (germline): Likely pathogenic (1 of 4 stars; one submission).

Submission:

Dasa
Classification: Likely pathogenic. Last evaluated: 2026-04-08. Review status: criteria provided, single submitter. Criteria: DASA Assertion Criteria. Collection method: clinical testing. Allele origin: germline.
Comment: NM_144658.4(DOCK11):c.3895_3896del (p.Leu1299Asnfs*5) is a frameshift variant in DOCK11 predicted to alter the reading frame and introduce a premature termination codon and is predicted to result in an absent or altered protein product. Loss of function is an established disease mechanism for DOCK11-associated disorders. Published studies describe this variant in association with related phenotype (PMID: 32241915; PMID: 37342957; PMID: 36952639; PMID: 40274249). Also, this variant is rare in population databases. Based on the currently available evidence, this variant is classified as likely pathogenic.

Literature cited by the submitters: PubMed 32241915; PubMed 37342957; PubMed 36952639; PubMed 40274249.

NM_144658.4(DOCK11):c.3895_3896del (p.Leu1299fs)

Gene: DOCK11 (dedicator of cytokinesis 11; plus strand). Cytogenetic location: Xq24.
Variant type: Deletion.
Coding change: c.3895_3896del on transcript NM_144658.4 (MANE Select); coding-DNA positions 3895 to 3896, 2 bases deleted (TT; older notation c.3895_3896delTT).
Protein change: p.Leu1299fs; shifts the reading frame from leucine 1299.
Molecular consequence: frameshift variant.
Genome position (GRCh38, 1-based): chrX:118,636,354-118,636,355, TT deleted. VCF-style (leftmost placement, unchanged base first): chrX-118636353-CTT-C. GRCh37 (hg19) VCF-style: chrX-117770316-CTT-C.
Other names: short protein forms L1299fs.
Identifiers: ClinVar variation 4886538 (VCV004886538.2).